The following is an entry in ClinVar:

ClinVar aggregate classification (germline): Uncertain significance (1 of 4 stars; one submission).

Conditions:
3-methylglutaconic aciduria, type VIIB (MGCA7B). Also called: CLPB Deficiency; 3-methylglutaconic aciduria with cataracts, neurologic involvement and neutropenia; 3-methylglutaconic aciduria, type VII, with cataracts, neurologic involvement and neutropenia. Identifiers: Orphanet 445038, MedGen C5676893, MONDO:0014561, OMIM 616271.

Submission:

Labcorp Genetics (formerly Invitae), Labcorp
Classification: Uncertain significance for 3-methylglutaconic aciduria, type VIIB. Last evaluated: 2025-10-23. Review status: criteria provided, single submitter. Criteria: Invitae Variant Classification Sherloc (09022015). Collection method: clinical testing. Allele origin: germline.
Comment: This sequence change replaces alanine, which is neutral and non-polar, with threonine, which is neutral and polar, at codon 606 of the CLPB protein (p.Ala606Thr). This variant is not present in population databases (gnomAD no frequency). This variant has not been reported in the literature in individuals affected with CLPB-related conditions. An algorithm developed to predict the effect of missense changes on protein structure and function (PolyPhen-2) suggests that this variant is likely to be tolerated. In summary, the available evidence is currently insufficient to determine the role of this variant in disease. Therefore, it has been classified as a Variant of Uncertain Significance.

NM_001258392.3(CLPB):c.1726G>A (p.Ala576Thr)

Gene: CLPB (ClpB family mitochondrial disaggregase; minus strand). Cytogenetic location: 11q13.4.
Variant type: single nucleotide variant.
Coding change: c.1726G>A on transcript NM_001258392.3 (MANE Select); coding-DNA position 1726, G replaced by A.
Protein change: p.Ala576Thr; replaces alanine 576 with threonine.
Molecular consequence: missense variant.
Genome position (GRCh38, 1-based): chr11:72,294,081, C>T on the plus strand (G>A on the coding strand, the complement: CLPB is on the minus strand). VCF-style: chr11-72294081-C-T. GRCh37 (hg19) VCF-style: chr11-72005125-C-T.
Other names: c.1639G>A, p.Ala547Thr (NM_001258393.3); c.1681G>A, p.Ala561Thr (NM_001258394.3); c.1816G>A, p.Ala606Thr (NM_030813.6); short protein forms A547T, A606T, A561T, A576T.
Identifiers: ClinVar variation 4749936 (VCV004749936.1).